The following is an entry in ClinVar:

NM_004655.4(AXIN2):c.1742G>A (p.Arg581His)

Gene: AXIN2 (axin 2; minus strand). Cytogenetic location: 17q24.1.
Variant type: single nucleotide variant.
Coding change: c.1742G>A on transcript NM_004655.4 (MANE Select); coding-DNA position 1742, G replaced by A.
Protein change: p.Arg581His; replaces arginine 581 with histidine.
Molecular consequence: missense variant. On other transcripts: intron variant (1).
Genome position (GRCh38, 1-based): chr17:65,537,034, C>T on the plus strand (G>A on the coding strand, the complement: AXIN2 is on the minus strand). VCF-style: chr17-65537034-C-T. GRCh37 (hg19) VCF-style: chr17-63533152-C-T.
Other names: p.R581H:CGC>CAC; c.1742G>A (LRG_296t1); c.1712+290G>A (NM_001363813.1); short protein forms R581H.
Identifiers: ClinVar variation 182007 (VCV000182007.15), dbSNP rs730881399, ClinGen allele CA298389.

ClinVar aggregate classification (germline): Uncertain significance. Review status: criteria provided, multiple submitters, no conflicts (2 of 4 stars). 3 submissions from 3 submitters: Uncertain significance (3). Last evaluated 2025-01-17.

Conditions:
Hereditary cancer-predisposing syndrome. Also called: Tumor predisposition; Hereditary Cancer Syndrome; Hereditary neoplastic syndrome; Neoplastic Syndromes, Hereditary. Identifiers: Orphanet 140162, MedGen C0027672, MeSH D009386, MONDO:0015356.
Oligodontia-cancer predisposition syndrome. Also called: TOOTH AGENESIS-COLORECTAL CANCER SYNDROME. Identifiers: Orphanet 300576, MedGen C1837750, MONDO:0012075, OMIM 608615. Disease mechanism: loss of function.

Allele frequency attached by ClinVar (database versions not stated): gnomAD exomes below 0.00001; TOPMed below 0.00001.
gnomAD v4.1: 3 of 1,608,830 alleles (0.00019%); highest among the groups gnomAD compares: Admixed American, 0.0017%; no homozygotes.

Submissions (3):

Labcorp Genetics (formerly Invitae), Labcorp
Classification: Uncertain significance for Oligodontia-cancer predisposition syndrome. Last evaluated: 2025-01-17. Review status: criteria provided, single submitter. Criteria: Invitae Variant Classification Sherloc (09022015). Collection method: clinical testing. Allele origin: germline.
Comment: This sequence change replaces arginine, which is basic and polar, with histidine, which is basic and polar, at codon 581 of the AXIN2 protein (p.Arg581His). This variant is not present in population databases (gnomAD no frequency). This variant has not been reported in the literature in individuals affected with AXIN2-related conditions. ClinVar contains an entry for this variant (Variation ID: 182007). Invitae Evidence Modeling of protein sequence and biophysical properties (such as structural, functional, and spatial information, amino acid conservation, physicochemical variation, residue mobility, and thermodynamic stability) has been performed for this missense variant. However, the output from this modeling did not meet the statistical confidence thresholds required to predict the impact of this variant on AXIN2 protein function. In summary, the available evidence is currently insufficient to determine the role of this variant in disease. Therefore, it has been classified as a Variant of Uncertain Significance.

Ambry Genetics
Classification: Uncertain significance for Hereditary cancer-predisposing syndrome. Last evaluated: 2024-04-23. Review status: criteria provided, single submitter. Criteria: Ambry Variant Classification Scheme 2023. Collection method: clinical testing. Allele origin: germline.
Comment: The p.R581H variant (also known as c.1742G>A), located in coding exon 6 of the AXIN2 gene, results from a G to A substitution at nucleotide position 1742. The arginine at codon 581 is replaced by histidine, an amino acid with highly similar properties. This amino acid position is highly conserved in available vertebrate species. In addition, the in silico prediction for this alteration is inconclusive. Based on the available evidence, the clinical significance of this variant remains unclear.

GeneDx
Classification: Uncertain significance. Last evaluated: 2014-09-10. Review status: criteria provided, single submitter. Criteria: GeneDx Variant Classification (06012015). Collection method: clinical testing. Allele origin: germline. Affected: yes.
Comment: This variant is denoted AXIN2 c.1742G>A at the cDNA level, p.Arg581His (R581H) at the protein level, and results in the change of an Arginine to a Histidine (CGC>CAC). This variant has not, to our knowledge, been published in the literature as pathogenic or benign. AXIN2 Arg581His was not observed in approximately 6,500 individuals of European and African American ancestry in the NHLBI Exome Sequencing Project, indicating it is not a common benign variant in these populations. Since Arginine and Histidine share similar properties, this is considered a conservative amino acid substitution. AXIN2 Arg581His occurs at a position that is conserved across species and is not located in a known functional domain (UniProt). In silico analyses are inconsistent regarding the effect this variant may have on protein structure and function. Based on currently available information, it is unclear whether AXIN2 Arg581His is pathogenic or benign. We consider it to be a variant of uncertain significance.